The following is an entry in ClinVar:

NM_000628.5(IL10RB):c.*719G>A

Genes: IFNAR2-IL10RB (IFNAR2-IL10RB readthrough; plus strand), IL10RB (interleukin 10 receptor subunit beta; plus strand). Cytogenetic location: 21q22.11.
Variant type: single nucleotide variant.
Coding change: c.*719G>A on transcript NM_000628.5 (MANE Select); 719 bases downstream of the stop codon, G replaced by A.
Molecular consequence: 3 prime UTR variant.
Genome position (GRCh38, 1-based): chr21:33,297,076, G>A. VCF-style: chr21-33297076-G-A. GRCh37 (hg19) VCF-style: chr21-34669381-G-A.
Identifiers: ClinVar variation 339709 (VCV000339709.6), dbSNP rs1058867, ClinGen allele CA10650366.

ClinVar aggregate classification (germline): Benign. Review status: criteria provided, multiple submitters, no conflicts (2 of 4 stars). 2 submissions from 2 submitters: Benign (2). Last evaluated 2018-01-13.

Conditions:
Inflammatory bowel disease 25. Also called: Inflammatory bowel disease 25, early onset, autosomal recessive. Identifiers: Orphanet 238569, MedGen C2675508, MONDO:0012941, OMIM 612567.

Allele frequency attached by ClinVar (database versions not stated): TOPMed 0.52359; gnomAD 0.52783 and 0.53592; 1000 Genomes Project 30x 0.55575; 1000 Genomes Project 0.56510; gnomAD exomes 0.59250.
gnomAD v4.1: 86,610 of 160,450 alleles (54%); highest among the groups gnomAD compares: East Asian, 74%; 24,635 homozygotes.

Submissions (2):

Illumina Laboratory Services, Illumina
Classification: Benign for Inflammatory bowel disease 25. Last evaluated: 2018-01-13. Review status: criteria provided, single submitter. Criteria: ICSL Variant Classification Criteria 13 December 2019. Collection method: clinical testing. Allele origin: germline.
Comment: This variant was observed in the ICSL laboratory as part of a predisposition screen in an ostensibly healthy population. It had not been previously curated by ICSL or reported in the Human Gene Mutation Database (HGMD: prior to June 1st, 2018), and was therefore a candidate for classification through an automated scoring system. Utilizing variant allele frequency, disease prevalence and penetrance estimates, and inheritance mode, an automated score was calculated to assess if this variant is too frequent to cause the disease. Based on the score and internal cut-off values, a variant classified as benign is not then subjected to further curation. The score for this variant resulted in a classification of benign for this disease.

Breakthrough Genomics
Classification: Benign. Review status: criteria provided, single submitter. Criteria: ACMG Guidelines, 2015. Collection method: not provided. Allele origin: germline. Inheritance: Autosomal recessive inheritance. Affected: yes.